The following is an entry in ClinVar:

NM_000268.4(NF2):c.686G>T (p.Gly229Val)

Gene: NF2 (NF2, moesin-ezrin-radixin like (MERLIN) tumor suppressor; plus strand). Cytogenetic location: 22q12.2.
Variant type: single nucleotide variant.
Coding change: c.686G>T on transcript NM_000268.4 (MANE Select); coding-DNA position 686, G replaced by T.
Protein change: p.Gly229Val; replaces glycine 229 with valine.
Molecular consequence: missense variant. On other transcripts: non-coding transcript variant (1), intron variant (4).
Genome position (GRCh38, 1-based): chr22:29,661,215, G>T. VCF-style: chr22-29661215-G-T. GRCh37 (hg19) VCF-style: chr22-30057204-G-T.
Other names: c.572G>T, p.Gly191Val (NM_001407053.1, NM_001407056.1); c.563G>T, p.Gly188Val (NM_001407054.1, NM_001407058.1, NM_181829.3); c.560G>T, p.Gly187Val (NM_001407055.1, NM_181828.3); c.686G>T, p.Gly229Val (NM_001407060.1, NM_001407066.1, NM_016418.5 and 2 more transcripts); c.437G>T, p.Gly146Val (NM_001407063.1, NM_001407064.1, NM_181830.3 and 1 more transcripts); c.152G>T, p.Gly51Val (NM_001407065.1); c.455G>T, p.Gly152Val (NM_001407067.1); c.675+2951G>T (NM_001407059.1, NM_001407057.1); and 2 more; short protein forms G146V, G187V, G229V, G51V, G152V, G191V, G188V.
Identifiers: ClinVar variation 2990689 (VCV002990689.3), dbSNP rs2147007791, ClinGen allele CA411143699.
Genomic context (GRCh38, chr22:29,661,215, plus strand): 5'-TTTTGAGCCTCAGCTGGCGCTTACAGTAGCTGTTCTTATTGGATCCACAGAATAAAAAGG[G>T]CACAGAGCTGCTGCTTGGAGTGGATGCCCTGGGGCTTCACATTTATGACCCTGAGAACAG-3'
Protein context (NP_000259.1, residues 219-239): VNYFAIRNKK[Gly229Val]TELLLGVDAL

ClinVar aggregate classification (germline): Uncertain significance (1 of 4 stars; one submission).

Conditions:
Neurofibromatosis, type 2 (SWNV). Also called: NF2-Related Schwannomatosis; BILATERAL ACOUSTIC NEUROFIBROMATOSIS; SCHWANNOMATOSIS, VESTIBULAR. Identifiers: Orphanet 637, MedGen C0027832, MONDO:0007039, OMIM 101000. Disease mechanism: loss of function.

Submission:

Labcorp Genetics (formerly Invitae), Labcorp
Classification: Uncertain significance for Neurofibromatosis, type 2. Last evaluated: 2022-12-09. Review status: criteria provided, single submitter. Criteria: Invitae Variant Classification Sherloc (09022015). Collection method: clinical testing. Allele origin: germline.
Comment: In summary, the available evidence is currently insufficient to determine the role of this variant in disease. Therefore, it has been classified as a Variant of Uncertain Significance. Advanced modeling of protein sequence and biophysical properties (such as structural, functional, and spatial information, amino acid conservation, physicochemical variation, residue mobility, and thermodynamic stability) performed at Invitae indicates that this missense variant is not expected to disrupt NF2 protein function. This variant has not been reported in the literature in individuals affected with NF2-related conditions. This variant is not present in population databases (gnomAD no frequency). This sequence change replaces glycine, which is neutral and non-polar, with valine, which is neutral and non-polar, at codon 229 of the NF2 protein (p.Gly229Val).